The following is an entry in ClinVar:

NM_001289808.2(CRYAB):c.202A>T (p.Met68Leu)

Gene: CRYAB (crystallin alpha B; minus strand). Cytogenetic location: 11q23.1.
Variant type: single nucleotide variant.
Coding change: c.202A>T on transcript NM_001289808.2 (MANE Select); coding-DNA position 202, A replaced by T.
Protein change: p.Met68Leu; replaces methionine 68 with leucine.
Molecular consequence: missense variant. On other transcripts: initiator codon variant (2).
Genome position (GRCh38, 1-based): chr11:111,910,449, T>A on the plus strand (A>T on the coding strand, the complement: CRYAB is on the minus strand). VCF-style: chr11-111910449-T-A. GRCh37 (hg19) VCF-style: chr11-111781173-T-A.
Other names: c.202A>T (NM_001885.1); c.202A>T, p.Met68Leu (NM_001289807.1, NM_001368245.1, NM_001885.3); c.1A>T, p.Met1Leu (NM_001330379.1, NM_001368246.1); short protein forms M1L, M68L.
Identifiers: ClinVar variation 1014222 (VCV001014222.11), dbSNP rs1291858452, ClinGen allele CA382599754.

ClinVar aggregate classification (germline): Uncertain significance. Review status: criteria provided, multiple submitters, no conflicts (2 of 4 stars). 3 submissions from 3 submitters: Uncertain significance (3). Last evaluated 2025-09-10.

Conditions:
Dilated cardiomyopathy 1II (CMD1II). Identifiers: Orphanet 154, MedGen C3554649, MONDO:0014073, OMIM 615184.
Cardiovascular phenotype. Identifiers: MedGen CN230736.

Allele frequency attached by ClinVar (database versions not stated): gnomAD 0.00001 and 0.00002; gnomAD exomes 0.00001; TOPMed 0.00002.
gnomAD v4.1: 7 of 1,614,028 alleles (0.00043%); highest among the groups gnomAD compares: Non-Finnish European, 0.00042%; no homozygotes.

Submissions (3):

Labcorp Genetics (formerly Invitae), Labcorp
Classification: Uncertain significance for Dilated cardiomyopathy 1II. Last evaluated: 2025-09-10. Review status: criteria provided, single submitter. Criteria: Invitae Variant Classification Sherloc (09022015). Collection method: clinical testing. Allele origin: germline.
Comment: This sequence change replaces methionine, which is neutral and non-polar, with leucine, which is neutral and non-polar, at codon 68 of the CRYAB protein (p.Met68Leu). This variant is present in population databases (no rsID available, gnomAD no frequency). This variant has not been reported in the literature in individuals affected with CRYAB-related conditions. ClinVar contains an entry for this variant (Variation ID: 1014222). An algorithm developed to predict the effect of missense changes on protein structure and function (PolyPhen-2) suggests that this variant is likely to be tolerated. In summary, the available evidence is currently insufficient to determine the role of this variant in disease. Therefore, it has been classified as a Variant of Uncertain Significance.

Ambry Genetics
Classification: Uncertain significance for Cardiovascular phenotype. Last evaluated: 2025-08-03. Review status: criteria provided, single submitter. Criteria: Ambry Variant Classification Scheme 2023. Collection method: clinical testing. Allele origin: germline.
Comment: The p.M68L variant (also known as c.202A>T) is located in coding exon 2 of the CRYAB gene. The methionine at codon 68 is replaced by leucine, an amino acid with highly similar properties. This change occurs in the first base pair of coding exon 2. This amino acid position is conserved. In addition, the in silico prediction for this alteration is inconclusive. Based on the available evidence, the clinical significance of this variant remains unclear.

Revvity Omics, Revvity
Classification: Uncertain significance. Last evaluated: 2022-08-29. Review status: criteria provided, single submitter. Criteria: ACMG Guidelines, 2015. Collection method: clinical testing. Allele origin: germline.